The following is an entry in ClinVar:

ClinVar aggregate classification (germline): Likely benign. Review status: criteria provided, single submitter (1 of 4 stars). 2 submissions from 2 submitters: Likely benign (1). 1 of the submissions does not count toward it. Last evaluated 2022-03-25.

Conditions:
D2HGDH-related disorder. Also called: D2HGDH-related condition.
D-2-hydroxyglutaric aciduria 1 (D2HGA1). Identifiers: Orphanet 79315, MedGen C3152055, MONDO:0024554, OMIM 600721.

Allele frequency attached by ClinVar (database versions not stated): TOPMed 0.00001; gnomAD 0.00003; ExAC 0.00007; gnomAD exomes 0.00007.
gnomAD v4.1: 108 of 1,614,110 alleles (0.0067%); highest among the groups gnomAD compares: South Asian, 0.096%; no homozygotes.

Submissions (2):

Labcorp Genetics (formerly Invitae), Labcorp
Classification: Likely benign for D-2-hydroxyglutaric aciduria 1. Last evaluated: 2022-03-25. Review status: criteria provided, single submitter. Criteria: Invitae Variant Classification Sherloc (09022015). Collection method: clinical testing. Allele origin: germline.

PreventionGenetics, part of Exact Sciences
Classification: Likely benign for D2HGDH-related condition. Last evaluated: 2020-01-03. Review status: no assertion criteria provided. Collection method: clinical testing. Allele origin: germline. Not counted in ClinVar's aggregate classification.
Comment: This variant is classified as likely benign based on ACMG/AMP sequence variant interpretation guidelines (Richards et al. 2015 PMID: 25741868, with internal and published modifications).

NM_152783.5(D2HGDH):c.693C>T (p.Ala231=)

Gene: D2HGDH (D-2-hydroxyglutarate dehydrogenase; plus strand). Cytogenetic location: 2q37.3.
Variant type: single nucleotide variant.
Coding change: c.693C>T on transcript NM_152783.5 (MANE Select); coding-DNA position 693, C replaced by T.
Protein change: p.Ala231=; no amino-acid change (alanine 231 retained).
Molecular consequence: synonymous variant. On other transcripts: non-coding transcript variant (1).
Genome position (GRCh38, 1-based): chr2:241,744,717, C>T. VCF-style: chr2-241744717-C-T. GRCh37 (hg19) VCF-style: chr2-242684132-C-T.
Other names: c.291C>T, p.Ala97= (NM_001287249.2); c.132C>T, p.Ala44= (NM_001352824.2); c.693C>T (NM_152783.4).
Identifiers: ClinVar variation 2187262 (VCV002187262.6), dbSNP rs778541885, ClinGen allele CA2221749.
Genomic context (GRCh38, chr2:241,744,717, plus strand): 5'-CGTCTTGTCAGGAGGCTGGCAGGTGGGTGAACGTGCTTCTCTTTGCCCCAAGGTGCTGGC[C>T]GACGGCACTGTCCTGGACTGCCTGACCTCCCTGAGGAAGGACAACACGGGCTATGACCTG-3'
Protein context (NP_689996.4, residues 221-241): GTVLGLEVVL[Ala231=]DGTVLDCLTS